The following is an entry in ClinVar:

NM_015506.3(MMACHC):c.296T>C (p.Ile99Thr)

Gene: MMACHC (metabolism of cobalamin associated C; plus strand). Cytogenetic location: 1p34.1.
Variant type: single nucleotide variant.
Coding change: c.296T>C on transcript NM_015506.3 (MANE Select); coding-DNA position 296, T replaced by C.
Protein change: p.Ile99Thr; replaces isoleucine 99 with threonine.
Molecular consequence: missense variant.
Genome position (GRCh38, 1-based): chr1:45,508,231, T>C. VCF-style: chr1-45508231-T-C. GRCh37 (hg19) VCF-style: chr1-45973903-T-C.
Other names: c.125T>C, p.Ile42Thr (NM_001330540.2); short protein forms I42T, I99T.
Identifiers: ClinVar variation 1684050 (VCV001684050.6), dbSNP rs370229341, ClinGen allele CA827697.

ClinVar aggregate classification (germline): Uncertain significance. Review status: criteria provided, multiple submitters, no conflicts (2 of 4 stars). 4 submissions from 4 submitters: Uncertain significance (4). Last evaluated 2023-04-11.

Conditions:
Cobalamin C disease. Also called: Methylmalonic aciduria with homocystinuria cblC type; methylmalonic aciduria and homocystinuria type cblC; Cobalamin-C methylmalonic acidemia and homocystinuria; Methylmalonic acidemia and homocystinuria cblC type; Methylmalonic aciduria and homocystinuria, Vitamin B12-responsive; Vitamin B12 metabolic defect with combined deficiency of methylmalonyl-CoA mutase and homocysteine:methyltetrahydrofolate methyltransferase. Identifiers: Orphanet 26, Orphanet 79282, MedGen C1848561, MONDO:0010184, OMIM 277400.

Allele frequency attached by ClinVar (database versions not stated): gnomAD exomes 0.00002; ExAC 0.00003; gnomAD 0.00003 and 0.00004; TOPMed 0.00004; ESP Exome Variant Server 0.00008.
gnomAD v4.1: 22 of 1,614,012 alleles (0.0014%); highest among the groups gnomAD compares: African/African-American, 0.008%; no homozygotes.

Submissions (4):

Genome-Nilou Lab
Classification: Uncertain significance for Cobalamin C disease. Last evaluated: 2023-04-11. Review status: criteria provided, single submitter. Criteria: ACMG Guidelines, 2015. Collection method: clinical testing. Allele origin: germline. Affected: no.

Revvity Omics, Revvity
Classification: Uncertain significance for Cobalamin C disease. Last evaluated: 2022-12-09. Review status: criteria provided, single submitter. Criteria: ACMG Guidelines, 2015. Collection method: clinical testing. Allele origin: germline.

GeneDx
Classification: Uncertain significance. Last evaluated: 2022-05-09. Review status: criteria provided, single submitter. Criteria: GeneDx Variant Classification Process June 2021. Collection method: clinical testing. Allele origin: germline. Affected: yes.
Comment: Not observed at significant frequency in large population cohorts (gnomAD); In silico analysis supports that this missense variant has a deleterious effect on protein structure/function; Has not been previously published as pathogenic or benign to our knowledge

Fulgent Genetics
Classification: Uncertain significance for Cobalamin C disease. Last evaluated: 2021-09-29. Review status: criteria provided, single submitter. Criteria: ACMG Guidelines, 2015. Collection method: clinical testing. Allele origin: unknown.